The following is an entry in ClinVar:

NM_001146079.2(CLDN14):c.-290A>G

Genes: CLDN14 (claudin 14; minus strand), CLDN14-AS1 (CLDN14 antisense RNA 1; plus strand). Cytogenetic location: 21q22.13.
Variant type: single nucleotide variant.
Coding change: c.-290A>G on transcript NM_001146079.2 (MANE Select); 290 bases upstream of the start codon, A replaced by G.
Molecular consequence: 5 prime UTR variant. On other transcripts: intron variant (2).
Genome position (GRCh38, 1-based): chr21:36,479,703, T>C on the plus strand (A>G on the coding strand, the complement: CLDN14 is on the minus strand). VCF-style: chr21-36479703-T-C. GRCh37 (hg19) VCF-style: chr21-37852001-T-C.
Other names: c.-480A>G (NM_144492.3); c.-81-17927A>G (NM_001146077.2, NM_001146078.3).
Identifiers: ClinVar variation 339902 (VCV000339902.6), dbSNP rs219742, ClinGen allele CA10653589.

ClinVar aggregate classification (germline): Benign. Review status: criteria provided, multiple submitters, no conflicts (2 of 4 stars). 2 submissions from 2 submitters: Benign (2). Last evaluated 2018-01-13.

Conditions:
Autosomal recessive nonsyndromic hearing loss 29. Identifiers: Orphanet 90636, MedGen C3279660, MONDO:0013537, OMIM 614035.

Allele frequency attached by ClinVar (database versions not stated): gnomAD 0.33156 and 0.34026; gnomAD exomes 0.33333; 1000 Genomes Project 0.33826; 1000 Genomes Project 30x 0.33963; TOPMed 0.34630.
gnomAD v4.1: 50,467 of 152,126 alleles (33%); highest among the groups gnomAD compares: African/African-American, 58%; 10,182 homozygotes.

Submissions (2):

Illumina Laboratory Services, Illumina
Classification: Benign for Autosomal recessive nonsyndromic hearing loss 29. Last evaluated: 2018-01-13. Review status: criteria provided, single submitter. Criteria: ICSL Variant Classification Criteria 13 December 2019. Collection method: clinical testing. Allele origin: germline.
Comment: This variant was observed in the ICSL laboratory as part of a predisposition screen in an ostensibly healthy population. It had not been previously curated by ICSL or reported in the Human Gene Mutation Database (HGMD: prior to June 1st, 2018), and was therefore a candidate for classification through an automated scoring system. Utilizing variant allele frequency, disease prevalence and penetrance estimates, and inheritance mode, an automated score was calculated to assess if this variant is too frequent to cause the disease. Based on the score and internal cut-off values, a variant classified as benign is not then subjected to further curation. The score for this variant resulted in a classification of benign for this disease.

Breakthrough Genomics
Classification: Benign. Review status: criteria provided, single submitter. Criteria: ACMG Guidelines, 2015. Collection method: not provided. Allele origin: germline. Inheritance: Autosomal recessive inheritance. Affected: yes.